The following is an entry in ClinVar:

ClinVar aggregate classification (germline): Uncertain significance. Review status: criteria provided, multiple submitters, no conflicts (2 of 4 stars). 2 submissions from 2 submitters: Uncertain significance (2). Last evaluated 2025-05-05.

Allele frequency attached by ClinVar (database versions not stated): gnomAD exomes below 0.00001; TOPMed below 0.00001.
gnomAD v4.1: 1 of 1,614,178 alleles (0.000062%); highest among the groups gnomAD compares: Admixed American, 0.0017%; no homozygotes.

Submissions (2):

Labcorp Genetics (formerly Invitae), Labcorp
Classification: Uncertain significance. Last evaluated: 2025-05-05. Review status: criteria provided, single submitter. Criteria: Invitae Variant Classification Sherloc (09022015). Collection method: clinical testing. Allele origin: germline.
Comment: This sequence change replaces threonine, which is neutral and polar, with isoleucine, which is neutral and non-polar, at codon 298 of the SLC7A14 protein (p.Thr298Ile). This variant is not present in population databases (gnomAD no frequency). This variant has not been reported in the literature in individuals affected with SLC7A14-related conditions. ClinVar contains an entry for this variant (Variation ID: 1927934). An algorithm developed to predict the effect of missense changes on protein structure and function (PolyPhen-2) suggests that this variant is likely to be disruptive. In summary, the available evidence is currently insufficient to determine the role of this variant in disease. Therefore, it has been classified as a Variant of Uncertain Significance.

Ambry Genetics
Classification: Uncertain significance. Last evaluated: 2025-02-10. Review status: criteria provided, single submitter. Criteria: Ambry Variant Classification Scheme 2023. Collection method: clinical testing. Allele origin: germline.

NM_020949.3(SLC7A14):c.893C>T (p.Thr298Ile)

Genes: SLC7A14 (solute carrier family 7 member 14; minus strand), SLC7A14-AS1 (SLC7A14 antisense RNA 1; plus strand). Cytogenetic location: 3q26.2.
Variant type: single nucleotide variant.
Coding change: c.893C>T on transcript NM_020949.3 (MANE Select); coding-DNA position 893, C replaced by T.
Protein change: p.Thr298Ile; replaces threonine 298 with isoleucine.
Molecular consequence: missense variant.
Genome position (GRCh38, 1-based): chr3:170,486,235, G>A on the plus strand (C>T on the coding strand, the complement: SLC7A14 is on the minus strand). VCF-style: chr3-170486235-G-A. GRCh37 (hg19) VCF-style: chr3-170204024-G-A.
Other names: c.893C>T (NM_020949.2); short protein forms T298I.
Identifiers: ClinVar variation 1927934 (VCV001927934.6), dbSNP rs1712024151, ClinGen allele CA355493775.
Genomic context (GRCh38, chr3:170,486,235, plus strand): 5'-GCCAGGGCCACATCGTGAGGAGGGTCCCGCAAGCATCTGGTACTTACAGACACATATGCT[G>A]TCAGGCAGATGACCAGGGAGGCAGTGATAGCATAAGGGATGGACGTGTTGGGATTCTTGG-3'
Protein context (NP_066000.2, residues 288-308): AITASLVICL[Thr298Ile]AYVSVSVILT